The following is an entry in ClinVar:

NM_001384474.1(LOXHD1):c.3654C>T (p.Ser1218=)

Gene: LOXHD1 (lipoxygenase homology PLAT domains 1; minus strand). Cytogenetic location: 18q21.1.
Variant type: single nucleotide variant.
Coding change: c.3654C>T on transcript NM_001384474.1 (MANE Select); coding-DNA position 3654, C replaced by T.
Protein change: p.Ser1218=; no amino-acid change (serine 1218 retained).
Molecular consequence: synonymous variant.
Genome position (GRCh38, 1-based): chr18:46,542,821, G>A on the plus strand (C>T on the coding strand, the complement: LOXHD1 is on the minus strand). VCF-style: chr18-46542821-G-A. GRCh37 (hg19) VCF-style: chr18-44122784-G-A.
Other names: c.321C>T, p.Ser107= (NM_001145472.3); c.33C>T, p.Ser11= (NM_001308013.2); c.3654C>T, p.Ser1218= (NM_144612.7).
Identifiers: ClinVar variation 667123 (VCV000667123.15), dbSNP rs774278587, ClinGen allele CA8952448.

ClinVar aggregate classification (germline): Likely benign. Review status: criteria provided, multiple submitters, no conflicts (2 of 4 stars). 3 submissions from 3 submitters: Likely benign (2). 1 of the submissions does not count toward it. Last evaluated 2024-02-13.

Conditions:
Autosomal recessive nonsyndromic hearing loss 77. Identifiers: Orphanet 90636, MedGen C2746083, MONDO:0013119, OMIM 613079.

Allele frequency attached by ClinVar (database versions not stated): gnomAD 0.00001 and 0.00002; gnomAD exomes 0.00002; TOPMed 0.00002; ExAC 0.00004.

Submissions (3):

Labcorp Genetics (formerly Invitae), Labcorp
Classification: Likely benign. Last evaluated: 2024-02-13. Review status: criteria provided, single submitter. Criteria: Invitae Variant Classification Sherloc (09022015). Collection method: clinical testing. Allele origin: germline.

Laboratory for Molecular Medicine, Mass General Brigham Personalized Medicine
Classification: Likely benign. Last evaluated: 2017-08-23. Review status: criteria provided, single submitter. Criteria: LMM Criteria. Collection method: clinical testing. Allele origin: germline. Observed: 1 variant allele.
Comment: p.Ser1218Ser in exon 24 of LOXHD1: This variant is not expected to have clinical significance because it does not alter an amino acid residue and is not located within the splice consensus sequence. It has been identified in 1/7914 South As ian chromosomes by the Exome Aggregation Consortium (ExAC; dbSNP rs774278587).

Natera, Inc.
Classification: Uncertain significance for Autosomal recessive deafness type 77. Last evaluated: 2020-01-17. Review status: no assertion criteria provided. Collection method: clinical testing. Allele origin: germline. Not counted in ClinVar's aggregate classification.